The following is an entry in ClinVar:

NM_017739.4(POMGNT1):c.1287dup

Genes: POMGNT1 (protein O-linked mannose N-acetylglucosaminyltransferase 1 (beta 1,2-); minus strand), TSPAN1 (tetraspanin 1; plus strand). Cytogenetic location: 1p34.1.
Variant type: Duplication.
Coding change: c.1287dup on transcript NM_017739.4 (MANE Select); coding-DNA position 1287, one base duplicated (G; older notation c.1287dupG).
Genome position (GRCh38, 1-based): chr1:46,192,434, C duplicated on the plus strand (G on the coding strand, the reverse complement: POMGNT1 is on the minus strand); the first of 4 consecutive C bases (chr1:46,192,434-46,192,437); duplicating any one gives the same sequence. VCF-style (leftmost placement, unchanged base first): chr1-46192433-A-AC. GRCh37 (hg19) VCF-style: chr1-46658105-A-AC.
Other names: c.1287dup (NM_017739.3).
Identifiers: ClinVar variation 2677987 (VCV002677987.4), dbSNP rs2525389456, ClinGen allele CA2695198024.

ClinVar aggregate classification (germline): Pathogenic/Likely pathogenic. Review status: criteria provided, multiple submitters, no conflicts (2 of 4 stars). 3 submissions from 3 submitters: Pathogenic (1); Likely pathogenic (2). Last evaluated 2025-06-10.

Conditions:
Muscular dystrophy-dystroglycanopathy (congenital with brain and eye anomalies), type A3. Also called: WALKER-WARBURG SYNDROME OR MUSCLE-EYE-BRAIN DISEASE, POMGNT1-RELATED; Muscular dystrophy-dystroglycanopathy (congenital with brain and eye anomalies), type A, 3; Congenital muscular dystrophy-dystroglycanopathy with brain and eye anomalies, type A3. Identifiers: MedGen C3151519, MONDO:0009667, OMIM 253280.
Muscular dystrophy-dystroglycanopathy (congenital with impaired intellectual development), type B, 3. Also called: MUSCULAR DYSTROPHY, CONGENITAL, POMGNT1-RELATED; Muscular dystrophy-dystroglycanopathy (congenital with intellectual disability), type B3. Identifiers: MedGen C3150412, MONDO:0013155, OMIM 613151.
Autosomal recessive limb-girdle muscular dystrophy type 2O. Also called: Limb-Girdle Muscular Dystrophy Type 3C; MUSCULAR DYSTROPHY-DYSTROGLYCANOPATHY (LIMB-GIRDLE), TYPE C, 3; MUSCULAR DYSTROPHY-DYSTROGLYCANOPATHY, LIMB-GIRDLE, POMGNT1-RELATED. Identifiers: Orphanet 206564, MedGen C3150417, MONDO:0013161, OMIM 613157.
Muscle eye brain disease (MEB). Also called: Santavuori congenital muscular dystrophy. Identifiers: Orphanet 588, Orphanet 899, MedGen C0457133, MONDO:0018939.

Submissions (3):

Labcorp Genetics (formerly Invitae), Labcorp
Classification: Pathogenic for Autosomal recessive limb-girdle muscular dystrophy type 2O; Muscular dystrophy-dystroglycanopathy (congenital with impaired intellectual development), type B, 3. Last evaluated: 2025-06-10. Review status: criteria provided, single submitter. Criteria: Invitae Variant Classification Sherloc (09022015). Collection method: clinical testing. Allele origin: germline.
Comment: This sequence change creates a premature translational stop signal (p.Tyr430Valfs*2) in the POMGNT1 gene. It is expected to result in an absent or disrupted protein product. Loss-of-function variants in POMGNT1 are known to be pathogenic (PMID: 19299310, 20816175, 21447391, 26908613, 27391550). This variant is not present in population databases (gnomAD no frequency). This variant has not been reported in the literature in individuals affected with POMGNT1-related conditions. ClinVar contains an entry for this variant (Variation ID: 2677987). For these reasons, this variant has been classified as Pathogenic.

Natera, Inc.
Classification: Likely pathogenic for Muscle-eye-brain disease. Last evaluated: 2025-01-21. Review status: criteria provided, single submitter. Criteria: Natera Variant Classification Schema (03/2026). Collection method: clinical testing. Allele origin: germline.
Comment: The c.1287dup variant in POMGNT1 is a frameshift variant predicted to shift the reading frame beginning at codon 430 and leads to a stop codon 2 codons downstream. This variant is expected to result in nonsense mediated decay, truncation, or a dysfunctional protein product. This variant is rare in the general population with a frequency below the threshold expected for the associated phenotype(s). Given the available evidence, this variant is classified as Likely Pathogenic.

Baylor Genetics
Classification: Likely pathogenic for Muscular dystrophy-dystroglycanopathy (congenital with brain and eye anomalies), type A3. Last evaluated: 2022-11-02. Review status: criteria provided, single submitter. Criteria: ACMG Guidelines, 2015. Collection method: clinical testing. Allele origin: unknown.

Literature cited by the submitters: PubMed 19299310 (cited by Labcorp Genetics (formerly Invitae), Labcorp); PubMed 20816175 (cited by Labcorp Genetics (formerly Invitae), Labcorp); PubMed 21447391 (cited by Labcorp Genetics (formerly Invitae), Labcorp); PubMed 26908613 (cited by Labcorp Genetics (formerly Invitae), Labcorp); PubMed 27391550 (cited by Labcorp Genetics (formerly Invitae), Labcorp).